The following is an entry in ClinVar:

NM_004108.3(FCN2):c.792T>A (p.Ala264=)

Gene: FCN2 (ficolin 2; plus strand). Cytogenetic location: 9q34.3.
Variant type: single nucleotide variant.
Coding change: c.792T>A on transcript NM_004108.3 (MANE Select); coding-DNA position 792, T replaced by A.
Protein change: p.Ala264=; no amino-acid change (alanine 264 retained).
Molecular consequence: synonymous variant.
Genome position (GRCh38, 1-based): chr9:134,887,265, T>A. VCF-style: chr9-134887265-T-A. GRCh37 (hg19) VCF-style: chr9-137779111-T-A.
Other names: c.678T>A, p.Ala226= (NM_015837.3).
Identifiers: ClinVar variation 3047394 (VCV003047394.3), dbSNP rs147940112, ClinGen allele CA5321366.

ClinVar aggregate classification (germline): Likely benign. Review status: criteria provided, single submitter (1 of 4 stars). 2 submissions from 2 submitters: Likely benign (1). 1 of the submissions does not count toward it. Last evaluated 2024-10-24.

Conditions:
FCN2-related disorder. Also called: FCN2-related condition.

Allele frequency attached by ClinVar (database versions not stated): 1000 Genomes Project 30x 0.00016; ExAC 0.00016; gnomAD 0.00036; TOPMed 0.00039; gnomAD exomes 0.00062.
gnomAD v4.1: 956 of 1,614,166 alleles (0.059%); highest among the groups gnomAD compares: Non-Finnish European, 0.077%; no homozygotes.

Submissions (2):

Blueprint Genetics
Classification: Likely benign. Last evaluated: 2024-10-24. Review status: criteria provided, single submitter. Criteria: ACMG Guidelines, 2015. Collection method: clinical testing. Allele origin: germline.

PreventionGenetics, part of Exact Sciences
Classification: Likely benign for FCN2-related condition. Last evaluated: 2023-09-08. Review status: no assertion criteria provided. Collection method: clinical testing. Allele origin: germline. Not counted in ClinVar's aggregate classification.
Comment: This variant is classified as likely benign based on ACMG/AMP sequence variant interpretation guidelines (Richards et al. 2015 PMID: 25741868, with internal and published modifications).